The following is an entry in ClinVar:

ClinVar aggregate classification (germline): Pathogenic. Review status: criteria provided, multiple submitters, no conflicts (2 of 4 stars). 8 submissions from 8 submitters: Pathogenic (7). 1 of the submissions does not count toward it. Last evaluated 2025-11-05.

Conditions:
Hereditary cancer-predisposing syndrome. Also called: Tumor predisposition; Hereditary Cancer Syndrome; Hereditary neoplastic syndrome; Neoplastic Syndromes, Hereditary. Identifiers: Orphanet 140162, MedGen C0027672, MeSH D009386, MONDO:0015356.
Familial cancer of breast. Also called: BREAST CANCER, FAMILIAL; Hereditary breast cancer; hereditary breast carcinoma. Identifiers: Orphanet 227535, MedGen C0346153, MONDO:0016419, OMIM 114480. Disease mechanism: loss of function.

Submissions (8):

Labcorp Genetics (formerly Invitae), Labcorp
Classification: Pathogenic for Familial cancer of breast. Last evaluated: 2025-11-05. Review status: criteria provided, single submitter. Criteria: Invitae Variant Classification Sherloc (09022015). Collection method: clinical testing. Allele origin: germline.
Comment: This sequence change creates a premature translational stop signal (p.Glu230*) in the PALB2 gene. It is expected to result in an absent or disrupted protein product. Loss-of-function variants in PALB2 are known to be pathogenic (PMID: 17200668, 17200671, 17200672, 24136930, 25099575). This variant is not present in population databases (gnomAD no frequency). This premature translational stop signal has been observed in individual(s) with breast cancer (PMID: 25452441). ClinVar contains an entry for this variant (Variation ID: 182786). For these reasons, this variant has been classified as Pathogenic.

Color Diagnostics, LLC DBA Color Health
Classification: Pathogenic for Hereditary cancer-predisposing syndrome. Last evaluated: 2025-04-28. Review status: criteria provided, single submitter. Criteria: ACMG Guidelines, 2015. Collection method: clinical testing. Allele origin: germline.
Comment: This variant changes 1 nucleotide in exon 4 of the PALB2 gene, creating a premature translation stop signal. This variant is expected to result in an absent or non-functional protein product. Functional studies have demonstrated that the variant was unable to rescue homologous recombination and resistance to PARP inhibitor defects of PALB2 deficient cells (PMID: 31757951, 33195396). This variant has been reported in individuals affected with breast cancer (PMID: 25452441, 26681312). This variant has not been identified in the general population by the Genome Aggregation Database (gnomAD). Loss of PALB2 function is a known mechanism of disease. Based on the available evidence, this variant is classified as Pathogenic.

Ambry Genetics
Classification: Pathogenic for Hereditary cancer-predisposing syndrome. Last evaluated: 2025-03-28. Review status: criteria provided, single submitter. Criteria: Ambry Variant Classification Scheme 2023. Collection method: clinical testing. Allele origin: germline.
Comment: The p.E230* pathogenic mutation (also known as c.688G>T), located in coding exon 4 of the PALB2 gene, results from a G to T substitution at nucleotide position 688. This changes the amino acid from a glutamic acid to a stop codon within coding exon 4. This alteration has been detected in 1/1824 patients with triple-negative breast cancer who were unselected for a family history of breast or ovarian cancer (Couch FJ et al. J Clin Oncol, 2015 Feb;33:304-11). In a homology-directed DNA repair (HDR) assay, this alteration was found to be functionally abnormal. In a PARP inhibitor sensitivity assay, this alteration was found to be functionally abnormal (Boonen RACM et al. Nat Commun, 2019 11;10:5296). This alteration was identified in 1/10030 consecutive patients referred for evaluation by an NGS hereditary cancer panel (Susswein LR et al. Genet Med, 2016 08;18:823-32). This variant is considered to be rare based on population cohorts in the Genome Aggregation Database (gnomAD). In addition to the clinical data presented in the literature, this alteration is expected to result in loss of function by premature protein truncation or nonsense-mediated mRNA decay. As such, this alteration is interpreted as a disease-causing mutation.

Quest Diagnostics Nichols Institute San Juan Capistrano
Classification: Pathogenic. Last evaluated: 2024-03-12. Review status: criteria provided, single submitter. Criteria: Quest Diagnostics criteria. Collection method: clinical testing. Allele origin: unknown.
Comment: The PALB2 c.688G>T (p.Glu230*) variant causes the premature termination of PALB2 protein synthesis. This variant has been reported in the published literature in individuals with breast cancer (PMID: 25452441 (2015), and 26681312 (2015)). A functional analysis demonstrated this variant is damaging to PALB2 protein function (PMID: 31757951 (2019)). This variant has not been reported in large, multi-ethnic general populations (Genome Aggregation Database). Based on the available information, this variant is classified as pathogenic.

GeneDx
Classification: Pathogenic. Last evaluated: 2024-01-02. Review status: criteria provided, single submitter. Criteria: GeneDx Variant Classification Process June 2021. Collection method: clinical testing. Allele origin: germline. Affected: yes.
Comment: Nonsense variant predicted to result in protein truncation or nonsense mediated decay in a gene for which loss-of-function is a known mechanism of disease; Published functional studies demonstrate a damaging effect on homologous recombination efficiency (PMID: 31757951); Not observed at significant frequency in large population cohorts (gnomAD); Truncating variants in this gene are considered pathogenic by a well-established clinical consortium and/or database; This variant is associated with the following publications: (PMID: 25452441, 26681312, 25099575, 17200668, 17200671, 17200672, 24136930, 31757951)

Myriad Genetics, Inc.
Classification: Pathogenic for Familial cancer of breast. Last evaluated: 2023-09-06. Review status: criteria provided, single submitter. Criteria: Myriad Autosomal Dominant, Autosomal Recessive and X-Linked Classification Criteria (2023). Collection method: clinical testing. Allele origin: unknown.
Comment: This variant is considered pathogenic. This variant creates a termination codon and is predicted to result in premature protein truncation.

Baylor Genetics
Classification: Pathogenic for Familial cancer of breast. Last evaluated: 2023-03-31. Review status: criteria provided, single submitter. Criteria: ACMG Guidelines, 2015. Collection method: clinical testing. Allele origin: unknown.

Leiden Open Variation Database
Classification: Pathogenic for Familial cancer of breast. Last evaluated: 2019-05-13. Review status: no assertion criteria provided. Collection method: curation. Allele origin: germline. Affected: yes. Not counted in ClinVar's aggregate classification.
Comment: Curators: Marc Tischkowitz, Arleen D. Auerbach. Submitter to LOVD: Marc Tischkowitz.

Literature cited by the submitters: PubMed 17200668 (cited by Labcorp Genetics (formerly Invitae), Labcorp); PubMed 17200671 (cited by Labcorp Genetics (formerly Invitae), Labcorp); PubMed 17200672 (cited by Labcorp Genetics (formerly Invitae), Labcorp); PubMed 24136930 (cited by Labcorp Genetics (formerly Invitae), Labcorp); PubMed 25099575 (cited by Labcorp Genetics (formerly Invitae), Labcorp); PubMed 25452441 (cited by 5 submitters); PubMed 26681312 (cited by 3 submitters); PubMed 31757951 (cited by 3 submitters); PubMed 33195396 (cited by Color Diagnostics, LLC DBA Color Health).

NM_024675.4(PALB2):c.688G>T (p.Glu230Ter)

Gene: PALB2 (partner and localizer of BRCA2; minus strand). Cytogenetic location: 16p12.2.
Variant type: single nucleotide variant.
Coding change: c.688G>T on transcript NM_024675.4 (MANE Select); coding-DNA position 688, G replaced by T.
Protein change: p.Glu230Ter; replaces glutamic acid 230 with a stop codon.
Molecular consequence: nonsense.
Genome position (GRCh38, 1-based): chr16:23,635,858, C>A on the plus strand (G>T on the coding strand, the complement: PALB2 is on the minus strand). VCF-style: chr16-23635858-C-A. GRCh37 (hg19) VCF-style: chr16-23647179-C-A.
Other names: p.E230*:GAA>TAA; short protein forms E230*.
Identifiers: ClinVar variation 182786 (VCV000182786.30), dbSNP rs730881905, ClinGen allele CA299784.